The following is an entry in ClinVar:

NM_006118.4(HAX1):c.694A>G (p.Ser232Gly)

Gene: HAX1 (HCLS1 associated protein X-1; plus strand). Cytogenetic location: 1q21.3.
Variant type: single nucleotide variant.
Coding change: c.694A>G on transcript NM_006118.4 (MANE Select); coding-DNA position 694, A replaced by G.
Protein change: p.Ser232Gly; replaces serine 232 with glycine.
Molecular consequence: missense variant.
Genome position (GRCh38, 1-based): chr1:154,275,423, A>G. VCF-style: chr1-154275423-A-G. GRCh37 (hg19) VCF-style: chr1-154247899-A-G.
Other names: c.550A>G, p.Ser184Gly (NM_001018837.2); short protein forms S184G, S232G.
Identifiers: ClinVar variation 4269039 (VCV004269039.1).

ClinVar aggregate classification (germline): Uncertain significance (1 of 4 stars; one submission).

Conditions:
Inborn genetic diseases. Identifiers: MedGen C0950123, MeSH D030342.

gnomAD v4.1: 2 of 1,614,178 alleles (0.00012%); highest among the groups gnomAD compares: Non-Finnish European, 0.00017%; no homozygotes.

Submission:

Ambry Genetics
Classification: Uncertain significance for Inborn genetic diseases. Last evaluated: 2025-08-02. Review status: criteria provided, single submitter. Criteria: Ambry Variant Classification Scheme 2023. Collection method: clinical testing. Allele origin: germline.
Comment: The p.S232G variant (also known as c.694A>G), located in coding exon 6 of the HAX1 gene, results from an A to G substitution at nucleotide position 694. The serine at codon 232 is replaced by glycine, an amino acid with similar properties. This amino acid position is conserved. In addition, the in silico prediction for this alteration is inconclusive. Based on the available evidence, the clinical significance of this variant remains unclear.